The following is an entry in ClinVar:

NM_000465.4(BARD1):c.865C>A (p.Pro289Thr)

Gene: BARD1 (BRCA1 associated RING domain 1; minus strand). Cytogenetic location: 2q35.
Variant type: single nucleotide variant.
Coding change: c.865C>A on transcript NM_000465.4 (MANE Select); coding-DNA position 865, C replaced by A.
Protein change: p.Pro289Thr; replaces proline 289 with threonine.
Molecular consequence: missense variant. On other transcripts: non-coding transcript variant (2), intron variant (3).
Genome position (GRCh38, 1-based): chr2:214,781,009, G>T on the plus strand (C>A on the coding strand, the complement: BARD1 is on the minus strand). VCF-style: chr2-214781009-G-T. GRCh37 (hg19) VCF-style: chr2-215645733-G-T.
Other names: c.808C>A, p.Pro270Thr (NM_001282543.2); c.158+28403C>A (NM_001282548.2); c.215+16052C>A (NM_001282545.2); c.364+11288C>A (NM_001282549.2); short protein forms P289T, P270T.
Identifiers: ClinVar variation 4196394 (VCV004196394.1).

ClinVar aggregate classification (germline): Uncertain significance (1 of 4 stars; one submission).

Conditions:
Hereditary cancer-predisposing syndrome. Also called: Neoplastic Syndromes, Hereditary; Tumor predisposition; Hereditary Cancer Syndrome; Hereditary neoplastic syndrome. Identifiers: Orphanet 140162, MedGen C0027672, MeSH D009386, MONDO:0015356.

Submission:

Ambry Genetics
Classification: Uncertain significance for Hereditary cancer-predisposing syndrome. Last evaluated: 2025-09-10. Review status: criteria provided, single submitter. Criteria: Ambry Variant Classification Scheme 2023. Collection method: clinical testing. Allele origin: germline.
Comment: The p.P289T variant (also known as c.865C>A), located in coding exon 4 of the BARD1 gene, results from a C to A substitution at nucleotide position 865. The proline at codon 289 is replaced by threonine, an amino acid with highly similar properties. This amino acid position is conserved. In addition, this alteration is predicted to be tolerated by in silico analysis. Based on the available evidence, the clinical significance of this variant remains unclear.